The following is an entry in ClinVar:

ClinVar aggregate classification (germline): Likely pathogenic (3 of 4 stars; one submission).

Conditions:
Lynch syndrome. Identifiers: Orphanet 144, MedGen C4552100, MONDO:0005835. Disease mechanism: loss of function.

Submission:

International Society for Gastrointestinal Hereditary Tumours (InSiGHT)
Classification: Likely pathogenic for Lynch syndrome. Last evaluated: 2019-06-21. Review status: reviewed by expert panel. Criteria: Guidelines v2.4. Collection method: curation. Allele origin: germline. Affected: yes.
Comment: Interrupts canonical donor splice site

NM_000179.3(MSH6):c.3646_3646+3del

Gene: MSH6 (mutS homolog 6; plus strand). Cytogenetic location: 2p16.3.
Variant type: Deletion.
Coding change: c.3646_3646+3del on transcript NM_000179.3 (MANE Select); coding-DNA position 3646 through 3 bases into the intron after coding-DNA position 3646, 4 bases deleted (GGTA; older notation c.3646_3646+3delGGTA).
Molecular consequence: splice donor variant.
Genome position (GRCh38, 1-based): chr2:47,805,707-47,805,710, GGTA deleted; deleting any 4 consecutive bases within chr2:47,805,705-47,805,710 gives the same sequence; the c. name uses the placement nearest the transcript's 3' end. VCF-style (leftmost placement, unchanged base first): chr2-47805704-TTAGG-T. GRCh37 (hg19) VCF-style: chr2-48032843-TTAGG-T.
Other names: c.2740_2740+3del (NM_001281493.2, NM_001281494.2); c.3256_3256+3del (NM_001281492.2).
Identifiers: ClinVar variation 89433 (VCV000089433.2), dbSNP rs267608106, ClinGen allele CA330544.